The following is an entry in ClinVar:

NM_002576.5(PAK1):c.36C>G (p.Pro12=)

Gene: PAK1 (p21 (RAC1) activated kinase 1; minus strand). Cytogenetic location: 11q13.5.
Variant type: single nucleotide variant.
Coding change: c.36C>G on transcript NM_002576.5 (MANE Select); coding-DNA position 36, C replaced by G.
Protein change: p.Pro12=; no amino-acid change (proline 12 retained).
Molecular consequence: synonymous variant. On other transcripts: non-coding transcript variant (2), intron variant (3).
Genome position (GRCh38, 1-based): chr11:77,392,485, G>C on the plus strand (C>G on the coding strand, the complement: PAK1 is on the minus strand). VCF-style: chr11-77392485-G-C. GRCh37 (hg19) VCF-style: chr11-77103530-G-C.
Other names: c.36C>G, p.Pro12= (NM_001128620.2, NM_001376268.1, NM_001376269.1 and 28 more transcripts); c.-3-13097C>G (NM_001376304.1); c.-104-12491C>G (NM_001376305.1, NM_001376302.1).
Identifiers: ClinVar variation 3025439 (VCV003025439.22), dbSNP rs775839991, ClinGen allele CA476032633.

ClinVar aggregate classification (germline): Likely benign (1 of 4 stars; one submission).

Allele frequency attached by ClinVar (database versions not stated): TOPMed 0.00001.
gnomAD v4.1: 8 of 1,613,270 alleles (0.0005%); highest among the groups gnomAD compares: South Asian, 0.0022%; no homozygotes.

Submission:

CeGaT Center for Human Genetics Tuebingen
Classification: Likely benign. Last evaluated: 2024-01-01. Review status: criteria provided, single submitter. Criteria: CeGaT Center For Human Genetics Tuebingen Variant Classification Criteria Version 2. Collection method: clinical testing. Allele origin: germline. Affected: yes. Observed: 1 variant allele.
Comment: PAK1: BP4, BP7